The following is an entry in ClinVar:

ClinVar aggregate classification (germline): Uncertain significance. Review status: criteria provided, multiple submitters, no conflicts (2 of 4 stars). 3 submissions from 3 submitters: Uncertain significance (3). Last evaluated 2024-11-19.

Conditions:
Familial hemophagocytic lymphohistiocytosis 5. Also called: STXBP2-Related Familial Hemophagocytic Lymphohistiocytosis (STXBP2-fHLH). Identifiers: Orphanet 540, MedGen C2751293, MONDO:0013135, OMIM 613101.

Allele frequency attached by ClinVar (database versions not stated): TOPMed 0.00001.
gnomAD v4.1: 45 of 1,613,924 alleles (0.0028%); highest among the groups gnomAD compares: Middle Eastern, 0.016%; no homozygotes.

Submissions (3):

Labcorp Genetics (formerly Invitae), Labcorp
Classification: Uncertain significance for Familial hemophagocytic lymphohistiocytosis 5. Last evaluated: 2024-11-19. Review status: criteria provided, single submitter. Criteria: Invitae Variant Classification Sherloc (09022015). Collection method: clinical testing. Allele origin: germline.
Comment: This sequence change replaces glycine, which is neutral and non-polar, with arginine, which is basic and polar, at codon 270 of the STXBP2 protein (p.Gly270Arg). This variant is present in population databases (no rsID available, gnomAD 0.0009%). This variant has not been reported in the literature in individuals affected with STXBP2-related conditions. ClinVar contains an entry for this variant (Variation ID: 330551). Invitae Evidence Modeling of protein sequence and biophysical properties (such as structural, functional, and spatial information, amino acid conservation, physicochemical variation, residue mobility, and thermodynamic stability) indicates that this missense variant is not expected to disrupt STXBP2 protein function with a negative predictive value of 95%. In summary, the available evidence is currently insufficient to determine the role of this variant in disease. Therefore, it has been classified as a Variant of Uncertain Significance.

Blueprint Genetics
Classification: Uncertain significance. Last evaluated: 2024-03-08. Review status: criteria provided, single submitter. Criteria: ACMG Guidelines, 2015. Collection method: clinical testing. Allele origin: germline.

Illumina Laboratory Services, Illumina
Classification: Uncertain significance for Familial hemophagocytic lymphohistiocytosis 5. Last evaluated: 2018-01-13. Review status: criteria provided, single submitter. Criteria: ICSL Variant Classification Criteria 13 December 2019. Collection method: clinical testing. Allele origin: germline.

NM_006949.4(STXBP2):c.808G>A (p.Gly270Arg)

Gene: STXBP2 (syntaxin binding protein 2; plus strand). Cytogenetic location: 19p13.2.
Variant type: single nucleotide variant.
Coding change: c.808G>A on transcript NM_006949.4 (MANE Select); coding-DNA position 808, G replaced by A.
Protein change: p.Gly270Arg; replaces glycine 270 with arginine.
Molecular consequence: missense variant. On other transcripts: non-coding transcript variant (1).
Genome position (GRCh38, 1-based): chr19:7,642,442, G>A. VCF-style: chr19-7642442-G-A. GRCh37 (hg19) VCF-style: chr19-7707328-G-A.
Other names: c.799G>A, p.Gly267Arg (NM_001127396.3); c.841G>A, p.Gly281Arg (NM_001272034.2); short protein forms G270R, G281R, G267R.
Identifiers: ClinVar variation 330551 (VCV000330551.11), dbSNP rs187320742, ClinGen allele CA10652334.
Genomic context (GRCh38, chr19:7,642,442, plus strand): 5'-CCAGTCCTCAGCTCCCCTGACCCCCAGGCTCCCTCCTTCCTCCCCAGGTATGAGACCACC[G>A]GGCTGAGCGAGGCGCGGGAGAAGGCCGTCTTGCTGGACGAGGACGATGACTTGTGGGTGG-3'
Protein context (NP_008880.2, residues 260-280): EQDTYRYETT[Gly270Arg]LSEAREKAVL